The following is an entry in ClinVar:

ClinVar aggregate classification (germline): Pathogenic/Likely pathogenic. Review status: criteria provided, multiple submitters, no conflicts (2 of 4 stars). 2 submissions from 2 submitters: Pathogenic (1); Likely pathogenic (1). Last evaluated 2025-01-01.

Conditions:
Sitosterolemia 2. Identifiers: MedGen C5231453, MONDO:0020748, OMIM 618666.

Submissions (2):

CeGaT Center for Human Genetics Tuebingen
Classification: Likely pathogenic. Last evaluated: 2025-01-01. Review status: criteria provided, single submitter. Criteria: CeGaT Center For Human Genetics Tuebingen Variant Classification Criteria Version 2. Collection method: clinical testing. Allele origin: germline. Affected: yes. Observed: 2 variant alleles.
Comment: ABCG5: PVS1:Strong, PM2, PM3:Supporting, PS1:Supporting

Institute of Human Genetics, Heidelberg University
Classification: Pathogenic for Sitosterolemia 2. Last evaluated: 2024-10-25. Review status: criteria provided, single submitter. Criteria: ACMG Guidelines, 2015. Collection method: clinical testing. Allele origin: inherited. Affected: yes.

NM_022436.3(ABCG5):c.1464-1G>C

Genes: ABCG5 (ATP binding cassette subfamily G member 5; minus strand), DYNC2LI1 (dynein cytoplasmic 2 light intermediate chain 1; plus strand). Cytogenetic location: 2p21.
Variant type: single nucleotide variant.
Coding change: c.1464-1G>C on transcript NM_022436.3 (MANE Select); the canonical splice acceptor site of the intron before coding-DNA position 1464, G replaced by C.
Molecular consequence: splice acceptor variant. On other transcripts: intron variant (2).
Genome position (GRCh38, 1-based): chr2:43,820,101, C>G on the plus strand (G>C on the coding strand, the complement: ABCG5 is on the minus strand). VCF-style: chr2-43820101-C-G. GRCh37 (hg19) VCF-style: chr2-44047240-C-G.
Other names: c.*16-7285C>G (NM_001348913.2, NM_001348912.2).
Identifiers: ClinVar variation 3392533 (VCV003392533.15).